The following is an entry in ClinVar:

NM_138694.4(PKHD1):c.470G>A (p.Gly157Asp)

Gene: PKHD1 (PKHD1 ciliary IPT domain containing fibrocystin/polyductin; minus strand). Cytogenetic location: 6p12.2.
Variant type: single nucleotide variant.
Coding change: c.470G>A on transcript NM_138694.4 (MANE Select); coding-DNA position 470, G replaced by A.
Protein change: p.Gly157Asp; replaces glycine 157 with aspartic acid.
Molecular consequence: missense variant.
Genome position (GRCh38, 1-based): chr6:52,073,520, C>T on the plus strand (G>A on the coding strand, the complement: PKHD1 is on the minus strand). VCF-style: chr6-52073520-C-T. GRCh37 (hg19) VCF-style: chr6-51938318-C-T.
Other names: c.470G>A, p.Gly157Asp (NM_170724.3); short protein forms G157D.
Identifiers: ClinVar variation 641166 (VCV000641166.9), dbSNP rs1278235097, ClinGen allele CA364436302.

ClinVar aggregate classification (germline): Pathogenic. Review status: criteria provided, single submitter (1 of 4 stars). 3 submissions from 3 submitters: Pathogenic (1). 2 of the submissions do not count toward it. Last evaluated 2023-01-10.

Conditions:
PKHD1-related disorder. Also called: PKHD1-related condition.
Autosomal recessive polycystic kidney disease (ARPKD). Also called: AR polycystic kidney disease. Identifiers: Orphanet 731, Orphanet 8378, MedGen C0085548, MeSH D017044, MONDO:0009889.

Allele frequency attached by ClinVar (database versions not stated): TOPMed below 0.00001; gnomAD 0.00001; gnomAD exomes 0.00001.

Submissions (3):

Labcorp Genetics (formerly Invitae), Labcorp
Classification: Pathogenic for Autosomal recessive polycystic kidney disease. Last evaluated: 2023-01-10. Review status: criteria provided, single submitter. Criteria: Invitae Variant Classification Sherloc (09022015). Collection method: clinical testing. Allele origin: germline.
Comment: This missense change has been observed in individual(s) with clinical features of polycystic kidney disease (Invitae). In at least one individual the data is consistent with being in trans (on the opposite chromosome) from a pathogenic variant. For these reasons, this variant has been classified as Pathogenic. Advanced modeling of protein sequence and biophysical properties (such as structural, functional, and spatial information, amino acid conservation, physicochemical variation, residue mobility, and thermodynamic stability) performed at Invitae indicates that this missense variant is expected to disrupt PKHD1 protein function. ClinVar contains an entry for this variant (Variation ID: 641166). This variant is not present in population databases (gnomAD no frequency). This sequence change replaces glycine, which is neutral and non-polar, with aspartic acid, which is acidic and polar, at codon 157 of the PKHD1 protein (p.Gly157Asp).

PreventionGenetics, part of Exact Sciences
Classification: Uncertain significance for PKHD1-related condition. Last evaluated: 2024-05-21. Review status: no assertion criteria provided. Collection method: clinical testing. Allele origin: germline. Not counted in ClinVar's aggregate classification.
Comment: The PKHD1 c.470G>A variant is predicted to result in the amino acid substitution p.Gly157Asp. To our knowledge, this variant has not been reported in the literature or in a large population database, indicating this variant is rare. In ClinVar, this variant has conflicting interpretations of uncertain significance and pathogenic. At this time, the clinical significance of this variant is uncertain due to the absence of conclusive functional and genetic evidence.

Natera, Inc.
Classification: Uncertain significance for Autosomal recessive polycystic kidney disease. Last evaluated: 2020-09-16. Review status: no assertion criteria provided. Collection method: clinical testing. Allele origin: germline. Not counted in ClinVar's aggregate classification.